The following is an entry in ClinVar:

ClinVar aggregate classification (germline): Uncertain significance. Review status: criteria provided, multiple submitters, no conflicts (2 of 4 stars). 2 submissions from 2 submitters: Uncertain significance (2). Last evaluated 2023-02-22.

Conditions:
Hereditary cancer-predisposing syndrome. Also called: Neoplastic Syndromes, Hereditary; Tumor predisposition; Hereditary Cancer Syndrome; Hereditary neoplastic syndrome. Identifiers: Orphanet 140162, MedGen C0027672, MeSH D009386, MONDO:0015356.

gnomAD v4.1: 1 of 1,614,094 alleles (0.000062%); highest among the groups gnomAD compares: Non-Finnish European, 0.000085%; no homozygotes.

Submissions (2):

Ambry Genetics
Classification: Uncertain significance for Hereditary cancer-predisposing syndrome. Last evaluated: 2023-02-22. Review status: criteria provided, single submitter. Criteria: Ambry Variant Classification Scheme 2023. Collection method: clinical testing. Allele origin: germline.
Comment: The p.D334E variant (also known as c.1002C>A), located in coding exon 7 of the CDH1 gene, results from a C to A substitution at nucleotide position 1002. The aspartic acid at codon 334 is replaced by glutamic acid, an amino acid with highly similar properties. This amino acid position is highly conserved in available vertebrate species. In addition, this alteration is predicted to be deleterious by in silico analysis. Since supporting evidence is limited at this time, the clinical significance of this alteration remains unclear.

Color Diagnostics, LLC DBA Color Health
Classification: Uncertain significance for Hereditary cancer-predisposing syndrome. Last evaluated: 2019-12-12. Review status: criteria provided, single submitter. Criteria: ACMG Guidelines, 2015. Collection method: clinical testing. Allele origin: germline.
Comment: This missense variant replaces aspartic acid with glutamic acid at codon 334 of the CDH1 protein. Computational prediction tool is inconclusive regarding the impact of this variant on protein structure and function (internally defined REVEL score threshold 0.5 < inconclusive < 0.7, PMID: 27666373). Splice site prediction tools suggest that this variant may not impact RNA splicing. To our knowledge, functional studies have not been performed for this variant. This variant has not been reported in individuals affected with hereditary cancer in the literature. This variant has not been identified in the general population by the Genome Aggregation Database (gnomAD). The available evidence is insufficient to determine the role of this variant in disease conclusively. Therefore, this variant is classified as a Variant of Uncertain Significance.

NM_004360.5(CDH1):c.1002C>A (p.Asp334Glu)

Gene: CDH1 (cadherin 1; plus strand). Cytogenetic location: 16q22.1.
Variant type: single nucleotide variant.
Coding change: c.1002C>A on transcript NM_004360.5 (MANE Select); coding-DNA position 1002, C replaced by A.
Protein change: p.Asp334Glu; replaces aspartic acid 334 with glutamic acid.
Molecular consequence: missense variant. On other transcripts: 5 prime UTR variant (2).
Genome position (GRCh38, 1-based): chr16:68,811,853, C>A. VCF-style: chr16-68811853-C-A. GRCh37 (hg19) VCF-style: chr16-68845756-C-A.
Other names: c.1002C>A, p.Asp334Glu (NM_001317184.2); c.-614C>A (NM_001317185.2); c.-818C>A (NM_001317186.2); c.1002C>A (NM_004360.3); short protein forms D334E.
Identifiers: ClinVar variation 926313 (VCV000926313.5), dbSNP rs761981219, ClinGen allele CA396459894.